The following is an entry in ClinVar:

ClinVar aggregate classification (germline): Uncertain significance (1 of 4 stars; one submission).

Submission:

Ambry Genetics
Classification: Uncertain significance. Last evaluated: 2024-04-06. Review status: criteria provided, single submitter. Criteria: Ambry Variant Classification Scheme 2023. Collection method: clinical testing. Allele origin: germline.
Comment: The p.K455T variant (also known as c.1364A>C), located in coding exon 12 of the RAD54L gene, results from an A to C substitution at nucleotide position 1364. The lysine at codon 455 is replaced by threonine, an amino acid with similar properties. This amino acid position is conserved. In addition, this alteration is predicted to be deleterious by in silico analysis. Based on the available evidence, the clinical significance of this variant remains unclear.

NM_003579.4(RAD54L):c.1364A>C (p.Lys455Thr)

Gene: RAD54L (RAD54 like; plus strand). Cytogenetic location: 1p34.1.
Variant type: single nucleotide variant.
Coding change: c.1364A>C on transcript NM_003579.4 (MANE Select); coding-DNA position 1364, A replaced by C.
Protein change: p.Lys455Thr; replaces lysine 455 with threonine.
Molecular consequence: missense variant.
Genome position (GRCh38, 1-based): chr1:46,272,791, A>C. VCF-style: chr1-46272791-A-C. GRCh37 (hg19) VCF-style: chr1-46738463-A-C.
Other names: c.1364A>C, p.Lys455Thr (NM_001142548.2); c.824A>C, p.Lys275Thr (NM_001370766.1); short protein forms K275T, K455T.
Identifiers: ClinVar variation 3312437 (VCV003312437.1).
Genomic context (GRCh38, chr1:46,272,791, plus strand): 5'-AAGAATTGCTTGAGGGCAAGATGAGTGTGTCTTCCCTTTCTTCCATCACCTCGCTAAAGA[A>C]GCTTTGTAATCGTGAGTTGGGCTTGTGTCCTGGTGTCCTCTGTGAGAGTGAGCAAGGGAG-3'
Protein context (NP_003570.2, residues 445-465): SSLSSITSLK[Lys455Thr]LCNHPALIYD